The following is an entry in ClinVar:

ClinVar aggregate classification (germline): Uncertain significance. Review status: criteria provided, multiple submitters, no conflicts (2 of 4 stars). 4 submissions from 4 submitters: Uncertain significance (4). Last evaluated 2025-04-01.

Conditions:
Familial cancer of breast. Also called: Hereditary breast cancer; hereditary breast carcinoma; BREAST CANCER, FAMILIAL. Identifiers: Orphanet 227535, MedGen C0346153, MONDO:0016419, OMIM 114480. Disease mechanism: loss of function.
Hereditary nonpolyposis colon cancer (HNPCC). Also called: Hereditary nonpolyposis colorectal cancer; Familial nonpolyposis colon cancer; Hereditary Nonpolyposis Colorectal Cancer Syndrome. Identifiers: Orphanet 443909, MedGen C1333990, MONDO:0018630. Disease mechanism: loss of function.
Hereditary cancer-predisposing syndrome. Also called: Neoplastic Syndromes, Hereditary; Tumor predisposition; Hereditary neoplastic syndrome; Hereditary Cancer Syndrome. Identifiers: Orphanet 140162, MedGen C0027672, MeSH D009386, MONDO:0015356.

Allele frequency attached by ClinVar (database versions not stated): gnomAD exomes 0.00001.
gnomAD v4.1: 3 of 1,596,044 alleles (0.00019%); highest among the groups gnomAD compares: East Asian, 0.0067%; no homozygotes.

Submissions (4):

Labcorp Genetics (formerly Invitae), Labcorp
Classification: Uncertain significance for Familial cancer of breast. Last evaluated: 2025-04-01. Review status: criteria provided, single submitter. Criteria: Invitae Variant Classification Sherloc (09022015). Collection method: clinical testing. Allele origin: germline.
Comment: This sequence change replaces lysine, which is basic and polar, with glutamic acid, which is acidic and polar, at codon 472 of the CHEK2 protein (p.Lys472Glu). This variant is not present in population databases (gnomAD no frequency). This missense change has been observed in individual(s) with breast cancer (PMID: 30287823). ClinVar contains an entry for this variant (Variation ID: 839735). An algorithm developed to predict the effect of missense changes on protein structure and function (PolyPhen-2) suggests that this variant is likely to be tolerated. In summary, the available evidence is currently insufficient to determine the role of this variant in disease. Therefore, it has been classified as a Variant of Uncertain Significance.

Ambry Genetics
Classification: Uncertain significance for Hereditary cancer-predisposing syndrome. Last evaluated: 2024-05-01. Review status: criteria provided, single submitter. Criteria: Ambry Variant Classification Scheme 2023. Collection method: clinical testing. Allele origin: germline.
Comment: The p.K472E variant (also known as c.1414A>G), located in coding exon 12 of the CHEK2 gene, results from an A to G substitution at nucleotide position 1414. The lysine at codon 472 is replaced by glutamic acid, an amino acid with similar properties. This amino acid position is not well conserved in available vertebrate species. In addition, this alteration is predicted to be tolerated by in silico analysis. Based on the available evidence, the clinical significance of this variant remains unclear.

Department of Pathology and Laboratory Medicine, Sinai Health System
Classification: Uncertain significance for hereditary nonpolyposis colon cancer. Last evaluated: 2023-03-17. Review status: criteria provided, single submitter. Criteria: ACMG Guidelines, 2015. Collection method: clinical testing. Allele origin: germline. Affected: no.

Color Diagnostics, LLC DBA Color Health
Classification: Uncertain significance for Hereditary cancer-predisposing syndrome. Last evaluated: 2021-08-23. Review status: criteria provided, single submitter. Criteria: ACMG Guidelines, 2015. Collection method: clinical testing. Allele origin: germline.
Comment: This missense variant replaces lysine with glutamic acid at codon 472 of the CHEK2 protein. Computational prediction suggests that this variant may not impact protein structure and function (internally defined REVEL score threshold <= 0.5, PMID: 27666373). To our knowledge, functional studies have not been reported for this variant. This variant has been reported in individuals affected with breast cancer but also in unaffected individuals (PMID: 16671833, 30287823). This variant has not been identified in the general population by the Genome Aggregation Database (gnomAD). The available evidence is insufficient to determine the role of this variant in disease conclusively. Therefore, this variant is classified as a Variant of Uncertain Significance.

Literature cited by the submitters: PubMed 30287823 (cited by 3 submitters); PubMed 16671833 (cited by Color Diagnostics, LLC DBA Color Health).

NM_007194.4(CHEK2):c.1414A>G (p.Lys472Glu)

Gene: CHEK2 (checkpoint kinase 2; minus strand). Cytogenetic location: 22q12.1.
Variant type: single nucleotide variant.
Coding change: c.1414A>G on transcript NM_007194.4 (MANE Select); coding-DNA position 1414, A replaced by G.
Protein change: p.Lys472Glu; replaces lysine 472 with glutamic acid.
Molecular consequence: missense variant.
Genome position (GRCh38, 1-based): chr22:28,694,079, T>C on the plus strand (A>G on the coding strand, the complement: CHEK2 is on the minus strand). VCF-style: chr22-28694079-T-C. GRCh37 (hg19) VCF-style: chr22-29090067-T-C.
Other names: c.1543A>G, p.Lys515Glu (NM_001005735.3); c.751A>G, p.Lys251Glu (NM_001257387.3); c.1213A>G, p.Lys405Glu (NM_001349956.3); c.1327A>G, p.Lys443Glu (NM_145862.3); short protein forms K405E, K443E, K472E, K515E, K251E.
Identifiers: ClinVar variation 839735 (VCV000839735.13), dbSNP rs2052470344, ClinGen allele CA411094324.
Genomic context (GRCh38, chr22:28,694,079, plus strand): 5'-GTCCCACACCCACCTGAAGCCACGGGTGTCTTAAGGCTTCTTCTGTCGTAAAACGTGCCT[T>C]TGGATCCACTACCAACAACTTCTTGACAAGGTCCAGAGCTAAAGCAACAATTGGGCAAAT-3'
Protein context (NP_009125.1, residues 462-482): LVKKLLVVDP[Lys472Glu]ARFTTEEALR